The following is an entry in ClinVar:

ClinVar aggregate classification (germline): Uncertain significance. Review status: criteria provided, multiple submitters, no conflicts (2 of 4 stars). 2 submissions from 2 submitters: Uncertain significance (2). Last evaluated 2026-03-09.

Conditions:
Dilated cardiomyopathy 1KK (CMD1KK). Identifiers: Orphanet 154, Orphanet 75249, MedGen C3714995, MONDO:0014100, OMIM 615248.
Cardiovascular phenotype. Identifiers: MedGen CN230736.

Allele frequency attached by ClinVar (database versions not stated): gnomAD exomes 0.00001.
gnomAD v4.1: 7 of 1,614,002 alleles (0.00043%); highest among the groups gnomAD compares: Non-Finnish European, 0.00059%; no homozygotes.

Submissions (2):

Ambry Genetics
Classification: Uncertain significance for Cardiovascular phenotype. Last evaluated: 2026-03-09. Review status: criteria provided, single submitter. Criteria: Ambry Variant Classification Scheme 2023. Collection method: clinical testing. Allele origin: germline.
Comment: The p.L1066P variant (also known as c.3197T>C), located in coding exon 15 of the MYPN gene, results from a T to C substitution at nucleotide position 3197. The leucine at codon 1066 is replaced by proline, an amino acid with similar properties. This amino acid position is conserved. In addition, this alteration is predicted to be tolerated by in silico analysis. Based on the available evidence, the clinical significance of this variant remains unclear.

Labcorp Genetics (formerly Invitae), Labcorp
Classification: Uncertain significance for Dilated cardiomyopathy 1KK. Last evaluated: 2019-10-25. Review status: criteria provided, single submitter. Criteria: Invitae Variant Classification Sherloc (09022015). Collection method: clinical testing. Allele origin: germline.
Comment: This sequence change replaces leucine with proline at codon 1066 of the MYPN protein (p.Leu1066Pro). The leucine residue is weakly conserved and there is a moderate physicochemical difference between leucine and proline. In summary, the available evidence is currently insufficient to determine the role of this variant in disease. Therefore, it has been classified as a Variant of Uncertain Significance. Algorithms developed to predict the effect of missense changes on protein structure and function are either unavailable or do not agree on the potential impact of this missense change (SIFT: "Deleterious"; PolyPhen-2: "Possibly Damaging"; Align-GVGD: "Class C0"). This variant has not been reported in the literature in individuals with MYPN-related conditions. This variant is not present in population databases (ExAC no frequency).

NM_032578.4(MYPN):c.3197T>C (p.Leu1066Pro)

Gene: MYPN (myopalladin; plus strand). Cytogenetic location: 10q21.3.
Variant type: single nucleotide variant.
Coding change: c.3197T>C on transcript NM_032578.4 (MANE Select); coding-DNA position 3197, T replaced by C.
Protein change: p.Leu1066Pro; replaces leucine 1066 with proline.
Molecular consequence: missense variant. On other transcripts: non-coding transcript variant (2).
Genome position (GRCh38, 1-based): chr10:68,197,390, T>C. VCF-style: chr10-68197390-T-C. GRCh37 (hg19) VCF-style: chr10-69957147-T-C.
Other names: c.3197T>C, p.Leu1066Pro (NM_001256267.2); c.2315T>C, p.Leu772Pro (NM_001256268.2); c.3197T>C (NM_032578.2); short protein forms L1066P, L772P.
Identifiers: ClinVar variation 956125 (VCV000956125.10), dbSNP rs2043626849, ClinGen allele CA376858267.